The following is an entry in ClinVar:

ClinVar aggregate classification (germline): Benign/Likely benign. Review status: criteria provided, multiple submitters, no conflicts (2 of 4 stars). 3 submissions from 3 submitters: Benign (1); Likely benign (1). 1 of the submissions does not count toward it. Last evaluated 2024-09-24.

Conditions:
TCOF1-related disorder. Also called: TCOF1-related condition.

Allele frequency attached by ClinVar (database versions not stated): TOPMed 0.00001; gnomAD 0.00009; 1000 Genomes Project 30x 0.00031; 1000 Genomes Project 0.00040; gnomAD exomes 0.00041; ExAC 0.00045.

Submissions (3):

Blueprint Genetics
Classification: Likely benign. Last evaluated: 2024-09-24. Review status: criteria provided, single submitter. Criteria: ACMG Guidelines, 2015. Collection method: clinical testing. Allele origin: germline.

GeneDx
Classification: Benign. Last evaluated: 2021-07-26. Review status: criteria provided, single submitter. Criteria: GeneDx Variant Classification Process June 2021. Collection method: clinical testing. Allele origin: germline. Affected: yes.

PreventionGenetics, part of Exact Sciences
Classification: Likely benign for TCOF1-related condition. Last evaluated: 2021-03-02. Review status: no assertion criteria provided. Collection method: clinical testing. Allele origin: germline. Not counted in ClinVar's aggregate classification.
Comment: This variant is classified as likely benign based on ACMG/AMP sequence variant interpretation guidelines (Richards et al. 2015 PMID: 25741868, with internal and published modifications).

NM_001371623.1(TCOF1):c.2731G>T (p.Ala911Ser)

Gene: TCOF1 (treacle ribosome biogenesis factor 1; plus strand). Cytogenetic location: 5q32.
Variant type: single nucleotide variant.
Coding change: c.2731G>T on transcript NM_001371623.1 (MANE Select); coding-DNA position 2731, G replaced by T.
Protein change: p.Ala911Ser; replaces alanine 911 with serine.
Molecular consequence: missense variant.
Genome position (GRCh38, 1-based): chr5:150,379,604, G>T. VCF-style: chr5-150379604-G-T. GRCh37 (hg19) VCF-style: chr5-149759167-G-T.
Other names: c.2500G>T, p.Ala834Ser (NM_001135245.2, NM_000356.4); c.2731G>T, p.Ala911Ser (NM_001195141.2, NM_001008657.3, NM_001135243.2 and 1 more transcripts); short protein forms A834S, A911S.
Identifiers: ClinVar variation 1304595 (VCV001304595.5), dbSNP rs557426457, ClinGen allele CA3511252.